The following is an entry in ClinVar:

NM_031935.3(HMCN1):c.14701C>G (p.Pro4901Ala)

Gene: HMCN1 (hemicentin 1; plus strand). Cytogenetic location: 1q31.1.
Variant type: single nucleotide variant.
Coding change: c.14701C>G on transcript NM_031935.3 (MANE Select); coding-DNA position 14701, C replaced by G.
Protein change: p.Pro4901Ala; replaces proline 4901 with alanine.
Molecular consequence: missense variant.
Genome position (GRCh38, 1-based): chr1:186,151,292, C>G. VCF-style: chr1-186151292-C-G. GRCh37 (hg19) VCF-style: chr1-186120424-C-G.
Other names: short protein forms P4901A.
Identifiers: ClinVar variation 1373466 (VCV001373466.6), dbSNP rs920826770, ClinGen allele CA33481194.

ClinVar aggregate classification (germline): Uncertain significance (1 of 4 stars; one submission).

Allele frequency attached by ClinVar (database versions not stated): gnomAD exomes below 0.00001.
gnomAD v4.1: 3 of 1,613,326 alleles (0.00019%); highest among the groups gnomAD compares: Admixed American, 0.0017%; no homozygotes.

Submission:

Labcorp Genetics (formerly Invitae), Labcorp
Classification: Uncertain significance. Last evaluated: 2025-08-31. Review status: criteria provided, single submitter. Criteria: Invitae Variant Classification Sherloc (09022015). Collection method: clinical testing. Allele origin: germline.
Comment: This sequence change replaces proline, which is neutral and non-polar, with alanine, which is neutral and non-polar, at codon 4901 of the HMCN1 protein (p.Pro4901Ala). This variant is present in population databases (no rsID available, gnomAD 0.003%). This variant has not been reported in the literature in individuals affected with HMCN1-related conditions. ClinVar contains an entry for this variant (Variation ID: 1373466). An algorithm developed to predict the effect of missense changes on protein structure and function (PolyPhen-2) suggests that this variant is likely to be disruptive. In summary, the available evidence is currently insufficient to determine the role of this variant in disease. Therefore, it has been classified as a Variant of Uncertain Significance.